The following is an entry in ClinVar:

NM_001291303.3(FAT4):c.3929A>G (p.Asp1310Gly)

Gene: FAT4 (FAT atypical cadherin 4; plus strand). Cytogenetic location: 4q28.1.
Variant type: single nucleotide variant.
Coding change: c.3929A>G on transcript NM_001291303.3 (MANE Select); coding-DNA position 3929, A replaced by G.
Protein change: p.Asp1310Gly; replaces aspartic acid 1310 with glycine.
Molecular consequence: missense variant.
Genome position (GRCh38, 1-based): chr4:125,320,340, A>G. VCF-style: chr4-125320340-A-G. GRCh37 (hg19) VCF-style: chr4-126241495-A-G.
Other names: c.3929A>G, p.Asp1310Gly (NM_001291285.3, NM_024582.6); c.3929A>G (NM_024582.5); short protein forms D1310G.
Identifiers: ClinVar variation 2128502 (VCV002128502.2), dbSNP rs1454713802, ClinGen allele CA358125044.

ClinVar aggregate classification (germline): Uncertain significance. Review status: criteria provided, multiple submitters, no conflicts (2 of 4 stars). 2 submissions from 2 submitters: Uncertain significance (2). Last evaluated 2024-04-02.

Conditions:
Van Maldergem syndrome 2 (VMLDS2). Identifiers: Orphanet 314679, MedGen C3809875, MONDO:0014242, OMIM 615546.
Hennekam lymphangiectasia-lymphedema syndrome 2 (HKLLS2). Identifiers: Orphanet 2136, MedGen C4014939, MONDO:0014454, OMIM 616006.

Allele frequency attached by ClinVar (database versions not stated): gnomAD exomes below 0.00001.
gnomAD v4.1: 2 of 1,613,404 alleles (0.00012%); highest among the groups gnomAD compares: Admixed American, 0.0033%; no homozygotes.

Submissions (2):

Fulgent Genetics
Classification: Uncertain significance for Van Maldergem syndrome 2; Hennekam lymphangiectasia-lymphedema syndrome 2. Last evaluated: 2024-04-02. Review status: criteria provided, single submitter. Criteria: ACMG Guidelines, 2015. Collection method: clinical testing. Allele origin: germline.

Labcorp Genetics (formerly Invitae), Labcorp
Classification: Uncertain significance. Last evaluated: 2022-04-20. Review status: criteria provided, single submitter. Criteria: Invitae Variant Classification Sherloc (09022015). Collection method: clinical testing. Allele origin: germline.
Comment: This sequence change replaces aspartic acid, which is acidic and polar, with glycine, which is neutral and non-polar, at codon 1310 of the FAT4 protein (p.Asp1310Gly). This variant is present in population databases (no rsID available, gnomAD 0.006%). This variant has not been reported in the literature in individuals affected with FAT4-related conditions. Algorithms developed to predict the effect of missense changes on protein structure and function (SIFT, PolyPhen-2, Align-GVGD) all suggest that this variant is likely to be disruptive. In summary, the available evidence is currently insufficient to determine the role of this variant in disease. Therefore, it has been classified as a Variant of Uncertain Significance.